The following is an entry in ClinVar:

NM_000834.5(GRIN2B):c.2179G>T (p.Asp727Tyr)

Gene: GRIN2B (glutamate ionotropic receptor NMDA type subunit 2B; minus strand). Cytogenetic location: 12p13.1.
Variant type: single nucleotide variant.
Coding change: c.2179G>T on transcript NM_000834.5 (MANE Select); coding-DNA position 2179, G replaced by T.
Protein change: p.Asp727Tyr; replaces aspartic acid 727 with tyrosine.
Molecular consequence: missense variant.
Genome position (GRCh38, 1-based): chr12:13,570,010, C>A on the plus strand (G>T on the coding strand, the complement: GRIN2B is on the minus strand). VCF-style: chr12-13570010-C-A. GRCh37 (hg19) VCF-style: chr12-13722944-C-A.
Other names: short protein forms D727Y.
Identifiers: ClinVar variation 1306008 (VCV001306008.2), dbSNP rs2136413432, ClinGen allele CA383998353.

ClinVar aggregate classification (germline): Uncertain significance (1 of 4 stars; one submission).

Submission:

GeneDx
Classification: Uncertain significance. Last evaluated: 2019-05-21. Review status: criteria provided, single submitter. Criteria: GeneDx Variant Classification Process June 2021. Collection method: clinical testing. Allele origin: germline. Affected: yes.
Comment: Not observed in large population cohorts (Lek et al., 2016); In silico analysis, which includes protein predictors and evolutionary conservation, supports a deleterious effect; Has not been previously published as pathogenic or benign to our knowledge